The following is an entry in ClinVar:

NM_001276270.2(MBD4):c.937_938insG (p.Lys313fs)

Gene: MBD4 (methyl-CpG binding domain 4, DNA glycosylase; minus strand). Cytogenetic location: 3q21.3.
Variant type: Insertion.
Coding change: c.937_938insG on transcript NM_001276270.2 (MANE Select); coding-DNA positions 937 to 938, G inserted.
Protein change: p.Lys313fs; shifts the reading frame from lysine 313.
Molecular consequence: frameshift variant. On other transcripts: intron variant (1).
Genome position: GRCh38 VCF-style: chr3-129436706-T-TC. GRCh37 (hg19) VCF-style: chr3-129155549-T-TC.
Other names: c.937_938insG, p.Lys313fs (NM_001276271.2, NM_001276272.2, NM_003925.3); c.247+1101_247+1102insG (NM_001276273.2); short protein forms K313fs.
Identifiers: ClinVar variation 4859579 (VCV004859579.1).

ClinVar aggregate classification (germline): Pathogenic (1 of 4 stars; one submission).

Conditions:
Inborn genetic diseases. Identifiers: MedGen C0950123, MeSH D030342.

Submission:

Ambry Genetics
Classification: Pathogenic for Inborn genetic diseases. Last evaluated: 2026-04-22. Review status: criteria provided, single submitter. Criteria: Ambry Variant Classification Scheme 2023. Collection method: clinical testing. Allele origin: germline.
Comment: The c.937_938insG pathogenic mutation, located in coding exon 3 of the MBD4 gene, results from an insertion of one nucleotide at position 937, causing a translational frameshift with a predicted alternate stop codon (p.K313Rfs*14). This variant is considered to be rare based on population cohorts in the Genome Aggregation Database (gnomAD). This alteration is expected to result in loss of function by premature protein truncation or nonsense-mediated mRNA decay. As such, this alteration is interpreted as a disease-causing mutation.